The following is an entry in ClinVar:

ClinVar aggregate classification (germline): Conflicting classifications of pathogenicity. Review status: criteria provided, conflicting classifications (1 of 4 stars). 11 submissions from 11 submitters: Uncertain significance (5); Benign (1); Likely benign (4). 1 of the submissions does not count toward it. Last evaluated 2025-12-21.

Conditions:
Familial adenomatous polyposis 1 (FAP1). Also called: FAMILIAL ADENOMATOUS POLYPOSIS 1, ATTENUATED; POLYPOSIS, ADENOMATOUS INTESTINAL. Identifiers: MedGen C2713442, MONDO:0021056, OMIM 175100. Disease mechanism: loss of function.
Hereditary cancer-predisposing syndrome. Also called: Tumor predisposition; Hereditary Cancer Syndrome; Hereditary neoplastic syndrome; Neoplastic Syndromes, Hereditary. Identifiers: Orphanet 140162, MedGen C0027672, MeSH D009386, MONDO:0015356.
Classic or attenuated familial adenomatous polyposis. Identifiers: MedGen CN372698, MONDO:0021057.

Allele frequency attached by ClinVar (database versions not stated): gnomAD 0.00003; gnomAD exomes 0.00004 and 0.00008; TOPMed 0.00004; ExAC 0.00009; ESP Exome Variant Server 0.00015.
gnomAD v4.1: 59 of 1,614,024 alleles (0.0037%); highest among the groups gnomAD compares: South Asian, 0.029%; no homozygotes.

Submissions (11):

Labcorp Genetics (formerly Invitae), Labcorp
Classification: Likely benign for Familial adenomatous polyposis 1. Last evaluated: 2025-12-21. Review status: criteria provided, single submitter. Criteria: Invitae Variant Classification Sherloc (09022015). Collection method: clinical testing. Allele origin: germline.

Women's Health and Genetics/Laboratory Corporation of America, LabCorp
Classification: Likely benign. Last evaluated: 2025-12-15. Review status: criteria provided, single submitter. Criteria: LabCorp Variant Classification Summary - May 2015. Collection method: clinical testing. Allele origin: germline.
Comment: Variant summary: APC c.3529A>G (p.Ile1177Val) results in a conservative amino acid change located in the Adenomatous polyposis coli protein, 15 residue repeat of the encoded protein sequence. Algorithms developed to predict the effect of missense changes on protein structure and function are either unavailable or do not agree on the potential impact of this missense change. The variant allele was found at a frequency of 3.6e-05 in 1689190 control chromosomes, predominantly at a frequency of 0.00029 within the South Asian subpopulation in the gnomAD database. The observed variant frequency within South Asian control individuals in the gnomAD database exceeds the estimated maximal expected allele frequency for disease-causing variants in APC. c.3529A>G has been observed in at least one individual with meningioma in a tumor profiling sequencing study of adult and pediatric patients at a cancer center where it was reported with an actionability categorization of Tier-3, namely, unlikely to inform cancer treatment decisions (example: Scholl_2016). This report does not provide unequivocal conclusions about association of the variant with Familial Adenomatous Polyposis. To our knowledge, no experimental evidence demonstrating an impact on protein function has been reported. The following publications have been ascertained in the context of this evaluation (PMID: 27882345, 36243179). ClinVar contains an entry for this variant (Variation ID: 411342). Based on the evidence outlined above, the variant was classified as likely benign.

Color Diagnostics, LLC DBA Color Health
Classification: Likely benign for Hereditary cancer-predisposing syndrome. Last evaluated: 2025-11-04. Review status: criteria provided, single submitter. Criteria: ACMG Guidelines, 2015. Collection method: clinical testing. Allele origin: germline.

Myriad Genetics, Inc.
Classification: Likely benign for Familial adenomatous polyposis 1. Last evaluated: 2025-01-29. Review status: criteria provided, single submitter. Criteria: Myriad Autosomal Dominant, Autosomal Recessive and X-Linked Classification Criteria (2023). Collection method: clinical testing. Allele origin: unknown.
Comment: This variant is considered likely benign. This variant has been observed at a population frequency that is significantly greater than expected given the associated disease prevalence and penetrance.

All of Us Research Program, National Institutes of Health
Classification: Uncertain significance for Classic or attenuated familial adenomatous polyposis. Last evaluated: 2024-01-11. Review status: criteria provided, single submitter. Criteria: ACMG Guidelines, 2015. Collection method: clinical testing. Allele origin: germline. Inheritance: Autosomal dominant inheritance. Observed: 6 variant alleles, 6 heterozygotes.
Comment: This missense variant replaces isoleucine with valine at codon 1177 of the APC protein. Computational prediction is inconclusive regarding the impact of this variant on protein structure and function (internally defined REVEL score threshold 0.5 < inconclusive < 0.7, PMID: 27666373). To our knowledge, functional studies have not been reported for this variant. This variant has not been reported in individuals affected with APC-related disorders in the literature. This variant has been identified in 20/250028 chromosomes in the general population by the Genome Aggregation Database (gnomAD). The available evidence is insufficient to determine the role of this variant in disease conclusively. Therefore, this variant is classified as a Variant of Uncertain Significance.

This study involves interpretation of variants in research participants for the purpose of population health screening. Participant phenotype was not available at the time of variant classification. Additional details can be found in publication PMID: 35346344, PMCID: PMC8962531

Quest Diagnostics Nichols Institute San Juan Capistrano
Classification: Uncertain significance. Last evaluated: 2023-11-13. Review status: criteria provided, single submitter. Criteria: Quest Diagnostics criteria. Collection method: clinical testing. Allele origin: unknown.
Comment: The APC c.3529A>G (p.Ile1177Val) variant has been reported in the published literature in unaffected individuals (PMID: 32980694 (2020), 36243179 (2022)). The frequency of this variant in the general population, 0.00026 (8/30608 chromosomes in South Asian subpopulation (Genome Aggregation Database)), is higher than would generally be expected for pathogenic variants in this gene. Analysis of this variant using bioinformatics tools for the prediction of the effect of amino acid changes on protein structure and function yielded conflicting predictions that this variant is benign or damaging. Based on the available information, we are unable to determine the clinical significance of this variant.

Sema4
Classification: Uncertain significance for Hereditary cancer-predisposing syndrome. Last evaluated: 2021-07-20. Review status: criteria provided, single submitter. Criteria: Sema4 Curation Guidelines. Collection method: curation. Allele origin: germline.
Comment: The APC c.3529A>G (p.I1177V) variant has been reported in heterozygosity in at least one individual with meningioma (PMID: 27882345). However, it has also been reported in healthy controls (PMID: 32980694). It was observed in 8/30608 chromosomes in the South Asian subpopulation in the large and broad cohorts of the Genome Aggregation Database (PMID: 32461654). This variant has been reported in ClinVar (Variation ID: 411342). Functional studies have not been performed, and in silico predictions of the variant's effect on protein function are inconclusive. Based on the current evidence available, this variant is interpreted as a variant of uncertain significance.\

Ambry Genetics
Classification: Benign for Hereditary cancer-predisposing syndrome. Last evaluated: 2021-05-14. Review status: criteria provided, single submitter. Criteria: Ambry Variant Classification Scheme 2023. Collection method: clinical testing. Allele origin: germline.

Mendelics
Classification: Uncertain significance for Familial adenomatous polyposis 1. Last evaluated: 2019-05-28. Review status: criteria provided, single submitter. Criteria: Mendelics Assertion Criteria 2017. Collection method: clinical testing. Allele origin: unknown.

GeneDx
Classification: Uncertain significance. Last evaluated: 2018-11-16. Review status: criteria provided, single submitter. Criteria: GeneDx Variant Classification (06012015). Collection method: clinical testing. Allele origin: germline. Affected: yes.
Comment: This variant is denoted APC c.3529A>G at the cDNA level, p.Ile1177Val (I1177V) at the protein level, and results in the change of an Isoleucine to a Valine (ATT>GTT). This variant has not, to our knowledge, been published in the literature as a pathogenic or benign germline variant. APC Ile1177Val was observed at an allele frequency of 0.026% (8/30,778) in individuals of South Asian ancestry in large population cohorts (Lek 2016). This variant is not located in a known functional domain. In silico analysis, which includes protein predictors and evolutionary conservation, supports that this variant does not alter protein structure/function. Based on currently available information, it is unclear whether APC Ile1177Val is pathogenic or benign. We consider it to be a variant of uncertain significance.

Department of Pathology and Laboratory Medicine, Sinai Health System
Classification: Likely benign. Review status: no assertion criteria provided. Collection method: clinical testing. Allele origin: unknown. Affected: yes. Study: The Canadian Open Genetics Repository (COGR). Not counted in ClinVar's aggregate classification.
Comment: The APC p.Ile1177Val variant was not identified in the literature nor was it identified in the Genesight-COGR, Cosmic, MutDB, UMD-LSDB, Zhejiang Colon Cancer Database, Clinvitae, LOVD3 APC database. The variant was identified in dbSNP (ID: rs369834416) â€šÃ„ÃºWith other alleleâ€šÃ„Ã¹, ClinVar (with conflicting interpretations of pathogenicity; benign by COGR, and uncertain significance by Invitae and GeneDx) and in control databases in 21 of 245696 chromosomes at a frequency of 0.00009 increasing the likelihood this could be a low frequency benign variant (Genome Aggregation Database Feb 27, 2017). Breakdown of the observations by population include Latino in 6 of 33570 chromosomes (freq: 0.0002), European Non-Finnish in 7 of 111342 chromosomes (freq: 0.00006), and South Asian in 8 of 30778 chromosomes (freq: 0.0003) while not observed in the African, Other, Ashkenazi Jewish, East Asian, and European Finnish populations. The p.Ile1177 residue is conserved in mammals and computational analyses (PolyPhen-2, SIFT, AlignGVGD, BLOSUM, MutationTaster) provide inconsistent predictions regarding the variant Val impact to the protein; this information is not very predictive of pathogenicity. The variant occurs outside of the splicing consensus sequence and in silico or computational prediction software programs (SpliceSiteFinder, MaxEntScan, NNSPLICE, GeneSplicer, HumanSpliceFinder) do not predict a difference in splicing. In summary, based on the above information the clinical significance of this variant cannot be determined with certainty at this time although we would lean towards a more benign role for this variant. This variant is classified as likely benign.

Literature cited by the submitters: PubMed 27882345 (cited by Women's Health and Genetics/Laboratory Corporation of America, LabCorp and Sema4); PubMed 36243179 (cited by Women's Health and Genetics/Laboratory Corporation of America, LabCorp and Quest Diagnostics Nichols Institute San Juan Capistrano); PubMed 32980694 (cited by Quest Diagnostics Nichols Institute San Juan Capistrano and Sema4).

NM_000038.6(APC):c.3529A>G (p.Ile1177Val)

Gene: APC (APC regulator of Wnt signaling pathway; plus strand). Cytogenetic location: 5q22.2.
Variant type: single nucleotide variant.
Coding change: c.3529A>G on transcript NM_000038.6 (MANE Select); coding-DNA position 3529, A replaced by G.
Protein change: p.Ile1177Val; replaces isoleucine 1177 with valine.
Molecular consequence: missense variant.
Genome position (GRCh38, 1-based): chr5:112,839,123, A>G. VCF-style: chr5-112839123-A-G. GRCh37 (hg19) VCF-style: chr5-112174820-A-G.
Other names: c.3529A>G, p.Ile1177Val (NM_001127510.3, NM_001354895.2); c.3475A>G, p.Ile1159Val (NM_001127511.3); c.3583A>G, p.Ile1195Val (NM_001354896.2); c.3559A>G, p.Ile1187Val (NM_001354897.2); c.3454A>G, p.Ile1152Val (NM_001354898.2); c.3445A>G, p.Ile1149Val (NM_001354899.2); c.3406A>G, p.Ile1136Val (NM_001354900.2); c.3352A>G, p.Ile1118Val (NM_001354901.2); and 5 more; short protein forms I1159V, I1177V, I1051V, I1118V, I1152V, I1187V, I1195V, I1017V.
Identifiers: ClinVar variation 411342 (VCV000411342.35), dbSNP rs369834416, ClinGen allele CA035626.